The following is an entry in ClinVar:

ClinVar aggregate classification (germline): Pathogenic. Review status: reviewed by expert panel (3 of 4 stars). 3 submissions from 3 submitters: Pathogenic (1). 2 of the submissions do not count toward it. Last evaluated 2016-10-18.

Conditions:
Familial cancer of breast. Also called: hereditary breast carcinoma; BREAST CANCER, FAMILIAL; Hereditary breast cancer. Identifiers: Orphanet 227535, MedGen C0346153, MONDO:0016419, OMIM 114480. Disease mechanism: loss of function.
Breast-ovarian cancer, familial, susceptibility to, 1 (BROVCA1). Also called: BRCA1 Hereditary Breast and Ovarian Cancer; OVARIAN CANCER, SUSCEPTIBILITY TO. Identifiers: Orphanet 145, MedGen C2676676, MONDO:0011450, OMIM 604370. Disease mechanism: loss of function.

Submissions (3):

Evidence-based Network for the Interpretation of Germline Mutant Alleles (ENIGMA)
Classification: Pathogenic for Breast-ovarian cancer, familial, susceptibility to, 1. Last evaluated: 2016-10-18. Review status: reviewed by expert panel. Criteria: ENIGMA BRCA1/2 Classification Criteria (2015). Collection method: curation. Allele origin: germline.
Comment: Variant allele predicted to encode a truncated non-functional protein.

Department of Clinical Genetics, Copenhagen University Hospital, Rigshospitalet
Classification: Pathogenic for Familial cancer of breast. Last evaluated: 2025-12-10. Review status: criteria provided, single submitter. Criteria: ACMG Guidelines, 2015. Collection method: clinical testing. Allele origin: germline. Not counted in ClinVar's aggregate classification.
Comment: The following ACMG criteria has been used: PM2_SUP; PVS1; PM5_Strong (PTC)

Consortium of Investigators of Modifiers of BRCA1/2 (CIMBA), c/o University of Cambridge
Classification: Pathogenic for Breast-ovarian cancer, familial, susceptibility to, 1. Last evaluated: 2015-10-02. Review status: criteria provided, single submitter. Criteria: CIMBA Mutation Classification guidelines May 2016. Collection method: clinical testing. Allele origin: germline. Not counted in ClinVar's aggregate classification.

Literature cited by the submitters: PubMed 21318380 (cited by Department of Clinical Genetics, Copenhagen University Hospital, Rigshospitalet).

NM_007294.4(BRCA1):c.4331_4332del (p.Asn1444fs)

Gene: BRCA1 (BRCA1 DNA repair associated; minus strand). Cytogenetic location: 17q21.31.
Variant type: Deletion.
Coding change: c.4331_4332del on transcript NM_007294.4 (MANE Select); coding-DNA positions 4331 to 4332, 2 bases deleted (AT; older notation c.4331_4332delAT).
Protein change: p.Asn1444fs; shifts the reading frame from asparagine 1444.
Molecular consequence: frameshift variant. On other transcripts: non-coding transcript variant (1).
Genome position (GRCh38, 1-based): chr17:43,082,429-43,082,430, AT deleted on the plus strand (AT on the coding strand, the reverse complement: BRCA1 is on the minus strand). VCF-style (leftmost placement, unchanged base first): chr17-43082428-GAT-G. GRCh37 (hg19) VCF-style: chr17-41234445-GAT-G.
Other names: 4450delAT; c.4121_4122delAT, p.Asn1374Thrfs (NM_001407881.1, NM_001407882.1, NM_001407884.1 and 9 more transcripts); c.4118_4119delAT, p.Asn1373Thrfs (NM_001407894.1, NM_001407895.1, NM_001407896.1 and 12 more transcripts); c.4115_4116delAT, p.Asn1372Thrfs (NM_001407915.1); c.4208_4209delAT, p.Asn1403Thrfs (NM_001407919.1, NM_001407937.1, NM_001407938.1 and 13 more transcripts); c.4067_4068delAT, p.Asn1356Thrfs (NM_001407920.1, NM_001407921.1, NM_001407922.1 and 7 more transcripts); c.4064_4065delAT, p.Asn1355Thrfs (NM_001407930.1, NM_001407931.1, NM_001407932.1 and 3 more transcripts); c.4061_4062delAT, p.Asn1354Thrfs (NM_001407934.1); and 55 more; short protein forms N341fs, N1397fs, N1444fs.
Identifiers: ClinVar variation 55170 (VCV000055170.8), dbSNP rs397509163, ClinGen allele CA002772.